The following is an entry in ClinVar:

ClinVar aggregate classification (germline): Uncertain significance. Review status: criteria provided, multiple submitters, no conflicts (2 of 4 stars). 6 submissions from 6 submitters: Uncertain significance (6). Last evaluated 2025-11-28.

Conditions:
Myofibrillar myopathy 5. Also called: FILAMINOPATHY, AUTOSOMAL DOMINANT; Filaminopathy (type). Identifiers: Orphanet 171445, MedGen C1836050, MONDO:0012289, OMIM 609524.
Distal myopathy with posterior leg and anterior hand involvement. Also called: WILLIAMS DISTAL MYOPATHY. Identifiers: Orphanet 63273, MedGen C3279722, MONDO:0013550, OMIM 614065.
Hypertrophic cardiomyopathy 26. Also called: Cardiomyopathy, familial hypertrophic, 26. Identifiers: Orphanet 75249, MedGen C4310749, MONDO:0014883, OMIM 617047.
Cardiovascular phenotype. Identifiers: MedGen CN230736.

Allele frequency attached by ClinVar (database versions not stated): gnomAD exomes 0.00001; gnomAD 0.00003.

Submissions (6):

Labcorp Genetics (formerly Invitae), Labcorp
Classification: Uncertain significance for Distal myopathy with posterior leg and anterior hand involvement; Myofibrillar myopathy 5; Hypertrophic cardiomyopathy 26. Last evaluated: 2025-11-28. Review status: criteria provided, single submitter. Criteria: Invitae Variant Classification Sherloc (09022015). Collection method: clinical testing. Allele origin: germline.
Comment: This sequence change replaces threonine, which is neutral and polar, with methionine, which is neutral and non-polar, at codon 2608 of the FLNC protein (p.Thr2608Met). This variant is present in population databases (no rsID available, gnomAD 0.0009%). This variant has not been reported in the literature in individuals affected with FLNC-related conditions. ClinVar contains an entry for this variant (Variation ID: 640401). Invitae Evidence Modeling of protein sequence and biophysical properties (such as structural, functional, and spatial information, amino acid conservation, physicochemical variation, residue mobility, and thermodynamic stability) indicates that this missense variant is not expected to disrupt FLNC protein function with a negative predictive value of 95%. In summary, the available evidence is currently insufficient to determine the role of this variant in disease. Therefore, it has been classified as a Variant of Uncertain Significance.

Ambry Genetics
Classification: Uncertain significance for Cardiovascular phenotype. Last evaluated: 2025-05-02. Review status: criteria provided, single submitter. Criteria: Ambry Variant Classification Scheme 2023. Collection method: clinical testing. Allele origin: germline.
Comment: The p.T2608M variant (also known as c.7823C>T), located in coding exon 47 of the FLNC gene, results from a C to T substitution at nucleotide position 7823. The threonine at codon 2608 is replaced by methionine, an amino acid with similar properties. This amino acid position is conserved. In addition, the in silico prediction for this alteration is inconclusive. Since supporting evidence is limited at this time, the clinical significance of this alteration remains unclear.

GeneDx
Classification: Uncertain significance. Last evaluated: 2024-01-18. Review status: criteria provided, single submitter. Criteria: GeneDx Variant Classification Process June 2021. Collection method: clinical testing. Allele origin: germline. Affected: yes.
Comment: Not observed at significant frequency in large population cohorts (gnomAD); In silico analysis supports that this missense variant does not alter protein structure/function; Has not been previously published as pathogenic or benign to our knowledge

Women's Health and Genetics/Laboratory Corporation of America, LabCorp
Classification: Uncertain significance. Last evaluated: 2023-05-11. Review status: criteria provided, single submitter. Criteria: LabCorp Variant Classification Summary - May 2015. Collection method: clinical testing. Allele origin: germline.
Comment: Variant summary: FLNC c.7823C>T (p.Thr2608Met) results in a non-conservative amino acid change in the encoded protein sequence. Five of five in-silico tools predict a damaging effect of the variant on protein function. The variant was absent in 229164 control chromosomes (gnomAD). The available data on variant occurrences in the general population are insufficient to allow any conclusion about variant significance. To our knowledge, no occurrence of c.7823C>T in individuals affected with Cardiomyopathy and no experimental evidence demonstrating its impact on protein function have been reported. Four clinical diagnostic laboratories have submitted clinical-significance assessments for this variant to ClinVar after 2014 aand all classified the variant as uncertain significance. Based on the evidence outlined above, the variant was classified as uncertain significance.

Revvity Omics, Revvity
Classification: Uncertain significance. Last evaluated: 2023-03-21. Review status: criteria provided, single submitter. Criteria: ACMG Guidelines, 2015. Collection method: clinical testing. Allele origin: germline.

Fulgent Genetics
Classification: Uncertain significance for Myofibrillar myopathy 5; Distal myopathy with posterior leg and anterior hand involvement; Hypertrophic cardiomyopathy 26. Last evaluated: 2021-09-01. Review status: criteria provided, single submitter. Criteria: ACMG Guidelines, 2015. Collection method: clinical testing. Allele origin: unknown.

NM_001458.5(FLNC):c.7823C>T (p.Thr2608Met)

Genes: FLNC (filamin C; plus strand), FLNC-AS1 (FLNC antisense RNA 1; minus strand). Cytogenetic location: 7q32.1.
Variant type: single nucleotide variant.
Coding change: c.7823C>T on transcript NM_001458.5 (MANE Select); coding-DNA position 7823, C replaced by T.
Protein change: p.Thr2608Met; replaces threonine 2608 with methionine.
Molecular consequence: missense variant.
Genome position (GRCh38, 1-based): chr7:128,858,050, C>T. VCF-style: chr7-128858050-C-T. GRCh37 (hg19) VCF-style: chr7-128498104-C-T.
Other names: c.7724C>T, p.Thr2575Met (NM_001127487.2); short protein forms T2575M, T2608M.
Identifiers: ClinVar variation 640401 (VCV000640401.19), dbSNP rs1175931652, ClinGen allele CA369220088.